The following is an entry in ClinVar:

NM_004104.5(FASN):c.3358A>G (p.Thr1120Ala)

Gene: FASN (fatty acid synthase; minus strand). Cytogenetic location: 17q25.3.
Variant type: single nucleotide variant.
Coding change: c.3358A>G on transcript NM_004104.5 (MANE Select); coding-DNA position 3358, A replaced by G.
Protein change: p.Thr1120Ala; replaces threonine 1120 with alanine.
Molecular consequence: missense variant.
Genome position (GRCh38, 1-based): chr17:82,087,119, T>C on the plus strand (A>G on the coding strand, the complement: FASN is on the minus strand). VCF-style: chr17-82087119-T-C. GRCh37 (hg19) VCF-style: chr17-80044995-T-C.
Other names: short protein forms T1120A.
Identifiers: ClinVar variation 2050947 (VCV002050947.4), dbSNP rs2509836801, ClinGen allele CA401553059.

ClinVar aggregate classification (germline): Uncertain significance (1 of 4 stars; one submission).

Conditions:
Epileptic encephalopathy. Identifiers: MedGen C0543888, HP:0200134.

Submission:

Labcorp Genetics (formerly Invitae), Labcorp
Classification: Uncertain significance for Epileptic encephalopathy. Last evaluated: 2022-03-04. Review status: criteria provided, single submitter. Criteria: Invitae Variant Classification Sherloc (09022015). Collection method: clinical testing. Allele origin: germline.
Comment: In summary, the available evidence is currently insufficient to determine the role of this variant in disease. Therefore, it has been classified as a Variant of Uncertain Significance. Algorithms developed to predict the effect of missense changes on protein structure and function (SIFT, PolyPhen-2, Align-GVGD) all suggest that this variant is likely to be tolerated. This variant has not been reported in the literature in individuals affected with FASN-related conditions. This variant is not present in population databases (gnomAD no frequency). This sequence change replaces threonine, which is neutral and polar, with alanine, which is neutral and non-polar, at codon 1120 of the FASN protein (p.Thr1120Ala).